The following is an entry in ClinVar:

ClinVar aggregate classification (germline): Uncertain significance. Review status: criteria provided, multiple submitters, no conflicts (2 of 4 stars). 3 submissions from 3 submitters: Uncertain significance (3). Last evaluated 2025-11-20.

Conditions:
Saldino-Mainzer syndrome (SRTD9). Also called: CONORENAL SYNDROME; Renal dysplasia, retinal pigmentary dystrophy, cerebellar ataxia and skeletal dysplasia; SHORT-RIB THORACIC DYSPLASIA 9 WITHOUT POLYDACTYLY; short-rib thoracic dysplasia 9 with or without polydactyly. Identifiers: Orphanet 140969, MedGen C1849437, MONDO:0009964, OMIM 266920.
Inborn genetic diseases. Identifiers: MedGen C0950123, MeSH D030342.

Submissions (3):

Labcorp Genetics (formerly Invitae), Labcorp
Classification: Uncertain significance for Saldino-Mainzer syndrome. Last evaluated: 2025-11-20. Review status: criteria provided, single submitter. Criteria: Invitae Variant Classification Sherloc (09022015). Collection method: clinical testing. Allele origin: germline.
Comment: This sequence change replaces methionine, which is neutral and non-polar, with threonine, which is neutral and polar, at codon 183 of the IFT140 protein (p.Met183Thr). This variant is present in population databases (rs749804135, gnomAD 0.0009%). This variant has not been reported in the literature in individuals affected with IFT140-related conditions. Invitae Evidence Modeling of protein sequence and biophysical properties (such as structural, functional, and spatial information, amino acid conservation, physicochemical variation, residue mobility, and thermodynamic stability) indicates that this missense variant is not expected to disrupt IFT140 protein function with a negative predictive value of 80%. In summary, the available evidence is currently insufficient to determine the role of this variant in disease. Therefore, it has been classified as a Variant of Uncertain Significance.

Ambry Genetics
Classification: Uncertain significance for Inborn genetic diseases. Last evaluated: 2025-11-12. Review status: criteria provided, single submitter. Criteria: Ambry Variant Classification Scheme 2023. Collection method: clinical testing. Allele origin: germline.

Blueprint Genetics
Classification: Uncertain significance. Last evaluated: 2022-10-20. Review status: criteria provided, single submitter. Criteria: ACMG Guidelines, 2015. Collection method: clinical testing. Allele origin: germline.

NM_014714.4(IFT140):c.548T>C (p.Met183Thr)

Genes: IFT140 (intraflagellar transport 140; minus strand), LOC105371046 (uncharacterized LOC105371046; plus strand). Cytogenetic location: 16p13.3.
Variant type: single nucleotide variant.
Coding change: c.548T>C on transcript NM_014714.4 (MANE Select); coding-DNA position 548, T replaced by C.
Protein change: p.Met183Thr; replaces methionine 183 with threonine.
Molecular consequence: missense variant.
Genome position (GRCh38, 1-based): chr16:1,592,262, A>G on the plus strand (T>C on the coding strand, the complement: IFT140 is on the minus strand). VCF-style: chr16-1592262-A-G. GRCh37 (hg19) VCF-style: chr16-1642263-A-G.
Other names: short protein forms M183T.
Identifiers: ClinVar variation 4621954 (VCV004621954.3).